The following is an entry in ClinVar:

NM_000426.4(LAMA2):c.8743A>G (p.Met2915Val)

Gene: LAMA2 (laminin subunit alpha 2; plus strand). Cytogenetic location: 6q22.33.
Variant type: single nucleotide variant.
Coding change: c.8743A>G on transcript NM_000426.4 (MANE Select); coding-DNA position 8743, A replaced by G.
Protein change: p.Met2915Val; replaces methionine 2915 with valine.
Molecular consequence: missense variant.
Genome position (GRCh38, 1-based): chr6:129,507,528, A>G. VCF-style: chr6-129507528-A-G. GRCh37 (hg19) VCF-style: chr6-129828673-A-G.
Other names: c.8731A>G, p.Met2911Val (NM_001079823.2); short protein forms M2915V, M2911V.
Identifiers: ClinVar variation 1406960 (VCV001406960.5), dbSNP rs1459767122, ClinGen allele CA365635519.

ClinVar aggregate classification (germline): Uncertain significance (1 of 4 stars; one submission).

Conditions:
LAMA2-related muscular dystrophy (LAMA2-RD). Also called: Laminin alpha 2-related dystrophy. Identifiers: MedGen C5679788, MONDO:0100228.

Allele frequency attached by ClinVar (database versions not stated): gnomAD exomes 0.00001.
gnomAD v4.1: 3 of 1,614,104 alleles (0.00019%); highest among the groups gnomAD compares: East Asian, 0.0022%; no homozygotes.

Submission:

Labcorp Genetics (formerly Invitae), Labcorp
Classification: Uncertain significance for LAMA2-related muscular dystrophy. Last evaluated: 2021-08-30. Review status: criteria provided, single submitter. Criteria: Invitae Variant Classification Sherloc (09022015). Collection method: clinical testing. Allele origin: germline.
Comment: This sequence change replaces methionine with valine at codon 2915 of the LAMA2 protein (p.Met2915Val). The methionine residue is moderately conserved and there is a small physicochemical difference between methionine and valine. This variant is not present in population databases (ExAC no frequency). This variant has not been reported in the literature in individuals affected with LAMA2-related conditions. Algorithms developed to predict the effect of missense changes on protein structure and function (SIFT, PolyPhen-2, Align-GVGD) all suggest that this variant is likely to be tolerated. In summary, the available evidence is currently insufficient to determine the role of this variant in disease. Therefore, it has been classified as a Variant of Uncertain Significance.